The following is an entry in ClinVar:

ClinVar aggregate classification (germline): Likely pathogenic. Review status: reviewed by expert panel (3 of 4 stars). 10 submissions from 10 submitters: Likely pathogenic (1). 9 of the submissions do not count toward it. Last evaluated 2023-06-27.

Conditions:
ACADVL-related disorder. Also called: ACADVL-related condition.
Very long chain acyl-CoA dehydrogenase deficiency (ACADVLD). Also called: Very Long-Chain Acyl-Coenzyme A Dehydrogenase Deficiency; VLCAD Deficiency. Identifiers: Orphanet 26793, MedGen C3887523, MONDO:0008723, OMIM 201475.

Submissions (10):

ClinGen ACADVL Variant Curation Expert Panel, ClinGen
Classification: Likely pathogenic for Very long chain acyl-CoA dehydrogenase deficiency. Last evaluated: 2023-06-27. Review status: reviewed by expert panel. Criteria: clingen acadvl acmg specifications v1. Collection method: curation. Allele origin: germline. Inheritance: Autosomal recessive inheritance.
Comment: The c.869dup (p.Ile291HisfsTer7) variant in ACADVL results in a frameshift predicted to cause a premature stop codon in biologically relevant exon 9/20 leading to nonsense mediated decay in a gene in which loss-of-function is an established disease mechanism (PVS1: PMIDs 9973285, 11590124). This variant is absent from gnomAD population database v2.1.1 (PM2_Supporting). This variant has also been in a patient with Very long chain acyl-coA dehydrogenase deficiency (VLCADD) (PMID:26385305). The ACADVL Variant Curation Expert Panel VCEP classified the variant as likely pathogenic based on (PVS1+PM2_supporting).

Labcorp Genetics (formerly Invitae), Labcorp
Classification: Pathogenic for Very long chain acyl-CoA dehydrogenase deficiency. Last evaluated: 2025-11-23. Review status: criteria provided, single submitter. Criteria: Invitae Variant Classification Sherloc (09022015). Collection method: clinical testing. Allele origin: germline. Not counted in ClinVar's aggregate classification.
Comment: This sequence change creates a premature translational stop signal (p.Ile291Hisfs*7) in the ACADVL gene. It is expected to result in an absent or disrupted protein product. Loss-of-function variants in ACADVL are known to be pathogenic (PMID: 9973285, 11590124). This variant is present in population databases (no rsID available, gnomAD 0.009%). This premature translational stop signal has been observed in individual(s) with positive newborn screen results for very long chain acyl-CoA dehydrogenase deficiency (PMID: 26385305). ClinVar contains an entry for this variant (Variation ID: 291163). For these reasons, this variant has been classified as Pathogenic.

Natera, Inc.
Classification: Likely pathogenic for Very long chain acyl-CoA dehydrogenase deficiency. Last evaluated: 2024-03-25. Review status: criteria provided, single submitter. Criteria: Natera Variant Classification Schema (03/2026). Collection method: clinical testing. Allele origin: germline. Not counted in ClinVar's aggregate classification.
Comment: The c.869dupG variant in ACADVL is a frameshift variant predicted to shift the reading frame beginning at codon 291 and leads to a stop codon 7 codons downstream. This variant is expected to result in nonsense mediated decay, truncation, or a dysfunctional protein product. This variant is rare in the general population with a frequency below the threshold expected for the associated phenotype(s). Given the available evidence, this variant is classified as Likely Pathogenic.

GeneDx
Classification: Likely pathogenic. Last evaluated: 2023-05-22. Review status: criteria provided, single submitter. Criteria: GeneDx Variant Classification Process June 2021. Collection method: clinical testing. Allele origin: germline. Affected: yes. Not counted in ClinVar's aggregate classification.
Comment: Frameshift variant predicted to result in protein truncation or nonsense mediated decay in a gene for which loss of function is a known mechanism of disease; This variant is associated with the following publications: (PMID: 9973285, 11590124, 26385305)

Revvity Omics, Revvity
Classification: Pathogenic for Very long chain acyl-CoA dehydrogenase deficiency. Last evaluated: 2023-05-15. Review status: criteria provided, single submitter. Criteria: ACMG Guidelines, 2015. Collection method: clinical testing. Allele origin: germline. Not counted in ClinVar's aggregate classification.

Baylor Genetics
Classification: Likely pathogenic for Very long chain acyl-CoA dehydrogenase deficiency. Last evaluated: 2022-12-18. Review status: criteria provided, single submitter. Criteria: ACMG Guidelines, 2015. Collection method: clinical testing. Allele origin: unknown. Not counted in ClinVar's aggregate classification.

ARUP Laboratories, Molecular Genetics and Genomics, ARUP Laboratories
Classification: Pathogenic for Very long chain acyl-CoA dehydrogenase deficiency. Last evaluated: 2022-09-16. Review status: criteria provided, single submitter. Criteria: ARUP Molecular Germline Variant Investigation Process 2021. Collection method: clinical testing. Allele origin: germline. Not counted in ClinVar's aggregate classification.
Comment: The ACADVL c.869dupG; p.Ile291Hisfs*7 variant (rs886044671) is reported in the literature in at least one individual with abnormal newborn screening results, which is highly specific for the monogenic disorder of Very Long-Chain Acyl-Coenzyme A Dehydrogenase deficiency (Miller 2015). This variant is also reported in ClinVar (Variation ID: 291163) and is found in the general population with an overall allele frequency of 0.0012% (3/251288 alleles) in the Genome Aggregation Database. This variant causes a frameshift by inserting a single nucleotide, so it is predicted to result in a truncated protein or mRNA subject to nonsense-mediated decay. Based on available information, this variant is considered to be pathogenic. References: Miller MJ et al. Recurrent ACADVL molecular findings in individuals with a positive newborn screen for very long chain acyl-coA dehydrogenase (VLCAD) deficiency in the United States. Mol Genet Metab. 2015 Nov;116(3):139-45. PMID: 26385305.

Wong Mito Lab, Molecular and Human Genetics, Baylor College of Medicine
Classification: Pathogenic for Very long chain acyl-CoA dehydrogenase deficiency. Last evaluated: 2019-11-01. Review status: criteria provided, single submitter. Criteria: ACMG Guidelines, 2015. Collection method: clinical testing. Allele origin: germline. Not counted in ClinVar's aggregate classification.
Comment: The NM_000018.3:c.869dupG (NP_000009.1:p.Ile291HisfsTer7) [GRCH38: NC_000017.11:g.7222293dup] variant in ACADVL gene is interpretated to be Pathogenic based on ACMG guidelines (PMID: 25741868). This variant has been reported. This variant meets the following evidence codes reported in the ACMG guidelines: PVS1, PS3

Eurofins Ntd Llc (ga)
Classification: Pathogenic. Last evaluated: 2016-09-19. Review status: criteria provided, single submitter. Criteria: EGL Classification Definitions. Collection method: clinical testing. Allele origin: germline. Observed: 1 variant allele, 1 heterozygote. Not counted in ClinVar's aggregate classification.

PreventionGenetics, part of Exact Sciences
Classification: Pathogenic for ACADVL-related condition. Last evaluated: 2024-06-20. Review status: no assertion criteria provided. Collection method: clinical testing. Allele origin: germline. Not counted in ClinVar's aggregate classification.
Comment: The ACADVL c.869dupG variant is predicted to result in a frameshift and premature protein termination (p.Ile291Hisfs*7). This variant was reported in an individual with newborn screening suggestive of very long chain acyl-CoA dehydrogenase deficiency (Miller et al. 2015. PubMed ID: 26385305). This variant is reported in 0.0058% of alleles in individuals of Latino descent in gnomAD. Frameshift variants in ACADVL are expected to be pathogenic. This variant is interpreted as pathogenic.

Literature cited by the submitters: PubMed 9973285 (cited by Labcorp Genetics (formerly Invitae), Labcorp); PubMed 11590124 (cited by Labcorp Genetics (formerly Invitae), Labcorp); PubMed 26385305 (cited by Labcorp Genetics (formerly Invitae), Labcorp).

NM_000018.4(ACADVL):c.869dup (p.Ile291fs)

Gene: ACADVL (acyl-CoA dehydrogenase very long chain; plus strand). Cytogenetic location: 17p13.1.
Variant type: Duplication.
Coding change: c.869dup on transcript NM_000018.4 (MANE Select); coding-DNA position 869, one base duplicated (G; older notation c.869dupG).
Protein change: p.Ile291fs; shifts the reading frame from isoleucine 291.
Molecular consequence: frameshift variant.
Genome position (GRCh38, 1-based): chr17:7,222,293, G duplicated; the last of 5 consecutive G bases (chr17:7,222,289-7,222,293); duplicating any one gives the same sequence. VCF-style (leftmost placement, unchanged base first): chr17-7222288-C-CG. GRCh37 (hg19) VCF-style: chr17-7125607-C-CG.
Other names: NM_000018.4(ACADVL):c.869dup; p.Ile291fs; c.803dup, p.Ile269fs (NM_001033859.3); c.938dup, p.Ile314fs (NM_001270447.2); c.641dup, p.Ile215fs (NM_001270448.2); c.869dup (NM_000018.2); short protein forms I215fs, I269fs, I291fs, I314fs.
Identifiers: ClinVar variation 291163 (VCV000291163.26), dbSNP rs886044671, ClinGen allele CA10607042.